The following is an entry in ClinVar:

ClinVar aggregate classification (germline): Likely pathogenic. Review status: criteria provided, multiple submitters, no conflicts (2 of 4 stars). 2 submissions from 2 submitters: Likely pathogenic (2). Last evaluated 2026-09-08.

Conditions:
Fabry disease. Also called: Angiokeratoma corporis diffusum; Ceramide trihexosidosis; Fabry's disease; ALPHA-GALACTOSIDASE A DEFICIENCY; ANDERSON-FABRY DISEASE; CERAMIDE TRIHEXOSIDASE DEFICIENCY. Identifiers: Orphanet 324, MedGen C0002986, MONDO:0010526, OMIM 301500, HP:0001071. Disease mechanism: loss of function, Fabry disease is due to inactivating mutations in the X-linked GLA gene resulting in deficiency of the enzyme Alpha Galactosidase-A..

Submissions (2):

Genomenon, Inc
Classification: Likely pathogenic for Fabry disease. Last evaluated: 2026-09-08. Review status: criteria provided, single submitter. Criteria: Genomenon Sequence Variant Interpretation Standards - Updated. Collection method: curation. Allele origin: germline. Affected: yes.
Comment: GLA p.Ala292Pro (c.874G>C) is a missense variant that changes the amino acid at codon 292 from Alanine to Proline. This variant has been observed in at least one proband with clinical features consistent with Fabry disease (PMID:27560961;20367968;16215932). At least one functional study has demonstrated a substantial alteration in protein function relative to the wild-type (PMID:27657681). It is absent or not present at a significant frequency in gnomAD. In silico models predict that this variant is possibly or probably damaging. In conclusion, we classify GLA p.Ala292Pro (c.874G>C) as a likely pathogenic variant.

Women's Health and Genetics/Laboratory Corporation of America, LabCorp
Classification: Likely pathogenic for Fabry disease. Last evaluated: 2018-08-21. Review status: criteria provided, single submitter. Criteria: LabCorp Variant Classification Summary - May 2015. Collection method: clinical testing. Allele origin: germline.
Comment: Variant summary: GLA c.874G>C (p.Ala292Pro) results in a non-conservative amino acid change in the encoded protein sequence. Five of five in-silico tools predict a damaging effect of the variant on protein function. The variant was absent in 178732 control chromosomes. c.874G>C has been reported in the literature in individuals affected with Fabry Disease (Pan_2016, Wang_2005). Wang_2005 describes a multi-generational family affected with Fabry, but does not specify how many affected individuals carried the variant of interest. The patient reported in Pan_2016 had <10% alpha-gal activity in leukocytes. No clinical diagnostic laboratories have submitted clinical-significance assessments for this variant to ClinVar after 2014. Based on the evidence outlined above, the variant was classified as likely pathogenic.

Literature cited by the submitters: PubMed 27560961 (cited by Genomenon, Inc and Women's Health and Genetics/Laboratory Corporation of America, LabCorp); PubMed 20367968 (cited by Genomenon, Inc); PubMed 16215932 (cited by Genomenon, Inc and Women's Health and Genetics/Laboratory Corporation of America, LabCorp); PubMed 27657681 (cited by Genomenon, Inc).

NM_000169.3(GLA):c.874G>C (p.Ala292Pro)

Genes: GLA (galactosidase alpha; minus strand), RPL36A-HNRNPH2 (RPL36A-HNRNPH2 readthrough; plus strand). Cytogenetic location: Xq22.1.
Variant type: single nucleotide variant.
Coding change: c.874G>C on transcript NM_000169.3 (MANE Select); coding-DNA position 874, G replaced by C.
Protein change: p.Ala292Pro; replaces alanine 292 with proline.
Molecular consequence: missense variant. On other transcripts: non-coding transcript variant (3), intron variant (2).
Genome position (GRCh38, 1-based): chrX:101,398,495, C>G on the plus strand (G>C on the coding strand, the complement: GLA is on the minus strand). VCF-style: chrX-101398495-C-G. GRCh37 (hg19) VCF-style: chrX-100653483-C-G.
Other names: c.997G>C, p.Ala333Pro (NM_001406747.1); c.874G>C, p.Ala292Pro (NM_001406748.1); c.300+3038C>G (NM_001199973.2); c.177+6673C>G (NM_001199974.2); short protein forms A292P, A333P.
Identifiers: ClinVar variation 633247 (VCV000633247.3), dbSNP rs111812846, ClinGen allele CA413922589.